The following is an entry in ClinVar:

ClinVar aggregate classification (germline): Uncertain significance (1 of 4 stars; one submission).

Submission:

CeGaT Center for Human Genetics Tuebingen
Classification: Uncertain significance. Last evaluated: 2023-11-01. Review status: criteria provided, single submitter. Criteria: CeGaT Center For Human Genetics Tuebingen Variant Classification Criteria Version 2. Collection method: clinical testing. Allele origin: germline. Affected: yes. Observed: 1 variant allele.
Comment: KMT2C: PM2, BP4

NM_170606.3(KMT2C):c.7588C>G (p.Gln2530Glu)

Gene: KMT2C (lysine methyltransferase 2C; minus strand). Cytogenetic location: 7q36.1.
Variant type: single nucleotide variant.
Coding change: c.7588C>G on transcript NM_170606.3 (MANE Select); coding-DNA position 7588, C replaced by G.
Protein change: p.Gln2530Glu; replaces glutamine 2530 with glutamic acid.
Molecular consequence: missense variant.
Genome position (GRCh38, 1-based): chr7:152,177,865, G>C on the plus strand (C>G on the coding strand, the complement: KMT2C is on the minus strand). VCF-style: chr7-152177865-G-C. GRCh37 (hg19) VCF-style: chr7-151874950-G-C.
Other names: short protein forms Q2530E.
Identifiers: ClinVar variation 2673134 (VCV002673134.23), dbSNP rs2129115533, ClinGen allele CA370086315.